The following is an entry in ClinVar:

NM_016333.4(SRRM2):c.4766C>T (p.Ser1589Phe)

Gene: SRRM2 (serine/arginine repetitive matrix 2; plus strand). Cytogenetic location: 16p13.3.
Variant type: single nucleotide variant.
Coding change: c.4766C>T on transcript NM_016333.4 (MANE Select); coding-DNA position 4766, C replaced by T.
Protein change: p.Ser1589Phe; replaces serine 1589 with phenylalanine.
Molecular consequence: missense variant.
Genome position (GRCh38, 1-based): chr16:2,765,294, C>T. VCF-style: chr16-2765294-C-T. GRCh37 (hg19) VCF-style: chr16-2815295-C-T.
Other names: short protein forms S1589F.
Identifiers: ClinVar variation 3765618 (VCV003765618.1).
Genomic context (GRCh38, chr16:2,765,294, plus strand): 5'-CAAGAACCCCACTTCGGCAGAGGAGTCGGTCTGGATCATCTCCAGAGGTTGACAGCAAAT[C>T]TCGACTATCCCCTCGGCGCAGTAGGTCTGGTTCCTCCCCTGAAGTGAAAGATAAGCCAAG-3'
Protein context (NP_057417.3, residues 1579-1599): SGSSPEVDSK[Ser1589Phe]RLSPRRSRSG

ClinVar aggregate classification (germline): Uncertain significance (1 of 4 stars; one submission).

gnomAD v4.1: 1 of 1,614,148 alleles (0.000062%); highest among the groups gnomAD compares: Non-Finnish European, 0.000085%; no homozygotes.

Submission:

Greenwood Genetic Center Diagnostic Laboratories, Greenwood Genetic Center
Classification: Uncertain significance. Last evaluated: 2024-08-29. Review status: criteria provided, single submitter. Criteria: ACMG Guidelines, 2015. Collection method: clinical testing. Allele origin: germline. Affected: yes.
Comment: PM2, BP4